The following is an entry in ClinVar:

ClinVar aggregate classification (germline): Uncertain significance (1 of 4 stars; one submission).

Allele frequency attached by ClinVar (database versions not stated): gnomAD exomes 0.00001.
gnomAD v4.1: 11 of 1,605,816 alleles (0.00069%); highest among the groups gnomAD compares: Non-Finnish European, 0.00094%; no homozygotes.

Submission:

Labcorp Genetics (formerly Invitae), Labcorp
Classification: Uncertain significance. Last evaluated: 2022-05-28. Review status: criteria provided, single submitter. Criteria: Invitae Variant Classification Sherloc (09022015). Collection method: clinical testing. Allele origin: germline.
Comment: In summary, the available evidence is currently insufficient to determine the role of this variant in disease. Therefore, it has been classified as a Variant of Uncertain Significance. Algorithms developed to predict the effect of missense changes on protein structure and function output the following: SIFT: "Tolerated"; PolyPhen-2: "Benign"; Align-GVGD: "Class C0". The threonine amino acid residue is found in multiple mammalian species, which suggests that this missense change does not adversely affect protein function. This variant has not been reported in the literature in individuals affected with SORL1-related conditions. This variant is not present in population databases (gnomAD no frequency). This sequence change replaces alanine, which is neutral and non-polar, with threonine, which is neutral and polar, at codon 1462 of the SORL1 protein (p.Ala1462Thr).

NM_003105.6(SORL1):c.4384G>A (p.Ala1462Thr)

Genes: SORL1 (sortilin related receptor 1; plus strand), LOC126861368 (P300/CBP strongly-dependent group 1 enhancer GRCh37_chr11:121465964-121467163; plus strand). Cytogenetic location: 11q24.1.
Variant type: single nucleotide variant.
Coding change: c.4384G>A on transcript NM_003105.6 (MANE Select); coding-DNA position 4384, G replaced by A.
Protein change: p.Ala1462Thr; replaces alanine 1462 with threonine.
Molecular consequence: missense variant.
Genome position (GRCh38, 1-based): chr11:121,595,637, G>A. VCF-style: chr11-121595637-G-A. GRCh37 (hg19) VCF-style: chr11-121466346-G-A.
Other names: short protein forms A1462T.
Identifiers: ClinVar variation 1999794 (VCV001999794.4), dbSNP rs1290799287, ClinGen allele CA383034731.